The following is an entry in ClinVar:

NM_006312.6(NCOR2):c.6345G>A (p.Pro2115=)

Gene: NCOR2 (nuclear receptor corepressor 2; minus strand). Cytogenetic location: 12q24.31.
Variant type: single nucleotide variant.
Coding change: c.6345G>A on transcript NM_006312.6 (MANE Select); coding-DNA position 6345, G replaced by A.
Protein change: p.Pro2115=; no amino-acid change (proline 2115 retained).
Molecular consequence: synonymous variant.
Genome position (GRCh38, 1-based): chr12:124,335,201, C>T on the plus strand (G>A on the coding strand, the complement: NCOR2 is on the minus strand). VCF-style: chr12-124335201-C-T. GRCh37 (hg19) VCF-style: chr12-124819747-C-T.
Other names: c.6315G>A, p.Pro2105= (NM_001077261.4, NM_001206654.2).
Identifiers: ClinVar variation 3034040 (VCV003034040.2), dbSNP rs35980493, ClinGen allele CA6867544.
Genomic context (GRCh38, chr12:124,335,201, plus strand): 5'-GTGCTGGGCCAGGGTGACCACCCGCTGGTGACCTTTGACCCCTGGGGCGGTCTGGAGCAG[C>T]GGGCTGGACGAGGGCTGGCTCTCAGGCAGCGGCCGCAGGTGTGGGAGGTGGGCGGCCTCC-3'
Protein context (NP_006303.4, residues 2105-2125): PLPESQPSSS[Pro2115=]LLQTAPGVKG

ClinVar aggregate classification (germline): Benign (0 of 4 stars; one submission).

Conditions:
NCOR2-related disorder. Also called: NCOR2-related condition.

Allele frequency attached by ClinVar (database versions not stated): gnomAD exomes 0.00066; ExAC 0.00216; 1000 Genomes Project 30x 0.00765; ESP Exome Variant Server 0.00772; gnomAD 0.00775; 1000 Genomes Project 0.00779; TOPMed 0.00864.
gnomAD v4.1: 2,214 of 1,611,128 alleles (0.14%); highest among the groups gnomAD compares: African/African-American, 2.5%; 26 homozygotes.

Submission:

PreventionGenetics, part of Exact Sciences
Classification: Benign for NCOR2-related condition. Last evaluated: 2019-02-20. Review status: no assertion criteria provided. Collection method: clinical testing. Allele origin: germline.
Comment: This variant is classified as benign based on ACMG/AMP sequence variant interpretation guidelines (Richards et al. 2015 PMID: 25741868, with internal and published modifications).